The following is an entry in ClinVar:

ClinVar aggregate classification (germline): Benign. Review status: criteria provided, multiple submitters, no conflicts (2 of 4 stars). 10 submissions from 9 submitters: Benign (10). Last evaluated 2026-02-04.

Conditions:
Neurofibromatosis, type 1 (NF1). Also called: Peripheral type neurofibromatosis; NEUROFIBROMATOSIS, TYPE I, SOMATIC; Neurofibromatosis, type I; VON RECKLINGHAUSEN DISEASE. Identifiers: Orphanet 636, MedGen C0027831, MONDO:0018975, OMIM 162200. Disease mechanism: loss of function.
Neurofibromatosis, familial spinal (FSNF). Identifiers: Orphanet 636, MedGen C1834235, MONDO:0008078, OMIM 162210. Disease mechanism: loss of function.

Allele frequency attached by ClinVar (database versions not stated): gnomAD exomes 0.00095 and 0.00226; ExAC 0.00279; gnomAD 0.00953 and 0.01016; TOPMed 0.01025; ESP Exome Variant Server 0.01042; 1000 Genomes Project 0.01218; 1000 Genomes Project 30x 0.01265.
gnomAD v4.1: 2,928 of 1,608,344 alleles (0.18%); highest among the groups gnomAD compares: African/African-American, 3.2%; 48 homozygotes.

Submissions (10):

Labcorp Genetics (formerly Invitae), Labcorp
Classification: Benign for Neurofibromatosis, type 1. Last evaluated: 2026-02-04. Review status: criteria provided, single submitter. Criteria: Invitae Variant Classification Sherloc (09022015). Collection method: clinical testing. Allele origin: germline.

ARUP Laboratories, Molecular Genetics and Genomics, ARUP Laboratories
Classification: Benign. Last evaluated: 2025-07-23. Review status: criteria provided, single submitter. Criteria: ARUP Molecular Germline Variant Investigation Process 2024. Collection method: clinical testing. Allele origin: germline.

KCCC/NGS Laboratory, Kuwait Cancer Control Center
Classification: Benign for Neurofibromatosis, type 1. Last evaluated: 2025-02-01. Review status: criteria provided, single submitter. Criteria: ACMG Guidelines, 2015. Collection method: clinical testing. Allele origin: germline. Affected: no.

KCCC/NGS Laboratory, Kuwait Cancer Control Center
Classification: Benign for Neurofibromatosis, familial spinal. Last evaluated: 2023-07-07. Review status: criteria provided, single submitter. Criteria: ACMG Guidelines, 2015. Collection method: clinical testing. Allele origin: germline. Affected: yes.

Genome-Nilou Lab
Classification: Benign for Neurofibromatosis, type 1. Last evaluated: 2022-03-15. Review status: criteria provided, single submitter. Criteria: ACMG Guidelines, 2015. Collection method: clinical testing. Allele origin: germline. Affected: no.

Women's Health and Genetics/Laboratory Corporation of America, LabCorp
Classification: Benign. Last evaluated: 2020-11-16. Review status: criteria provided, single submitter. Criteria: LabCorp Variant Classification Summary - May 2015. Collection method: clinical testing. Allele origin: germline.
Comment: Variant summary: NF1 c.1845+13A>T alters a non-conserved nucleotide located close to a canonical splice site and therefore could affect mRNA splicing, leading to a significantly altered protein sequence. 4/4 computational tools predict no significant impact on normal splicing. However, these predictions have yet to be confirmed by functional studies. The variant allele was found at a frequency of 0.0023 in 249728 control chromosomes in the gnomAD database, including 9 homozygotes. The observed variant frequency is approximately 11 fold of the estimated maximal expected allele frequency for a pathogenic variant in NF1 causing Neurofibromatosis Type 1 phenotype (0.00021), strongly suggesting that the variant is benign. To our knowledge, no occurrence of c.1845+13A>T in individuals affected with Neurofibromatosis Type 1 and no experimental evidence demonstrating its impact on protein function have been reported. Two clinical diagnostic laboratories have submitted clinical-significance assessments for this variant to ClinVar after 2014 without evidence for independent evaluation. All laboratories classified the variant as benign. Based on the evidence outlined above, the variant was classified as benign.

GeneDx
Classification: Benign. Last evaluated: 2016-11-10. Review status: criteria provided, single submitter. Criteria: GeneDx Variant Classification (06012015). Collection method: clinical testing. Allele origin: germline. Affected: yes.
Comment: This variant is considered likely benign or benign based on one or more of the following criteria: it is a conservative change, it occurs at a poorly conserved position in the protein, it is predicted to be benign by multiple in silico algorithms, and/or has population frequency not consistent with disease.

Laboratory for Molecular Medicine, Mass General Brigham Personalized Medicine
Classification: Benign. Last evaluated: 2014-11-24. Review status: criteria provided, single submitter. Criteria: LMM Criteria. Collection method: clinical testing. Allele origin: germline. Observed: 2 variant alleles.
Comment: 1845+13A>T in intron 16 of NF1: This variant is not expected to have clinical si gnificance because it is not located within the conserved splice consensus seque nce. It has been identified in 3.0% (131/4384) of African American chromosomes f rom a broad population by the NHLBI Exome Sequencing Project (dbSNP rs17885739).

Breakthrough Genomics
Classification: Benign. Review status: criteria provided, single submitter. Criteria: ACMG Guidelines, 2015. Collection method: not provided. Allele origin: germline. Inheritance: Autosomal dominant inheritance. Affected: yes.

PreventionGenetics, part of Exact Sciences
Classification: Benign. Review status: criteria provided, single submitter. Criteria: ACMG Guidelines, 2015. Collection method: clinical testing. Allele origin: germline.

Literature cited by the submitters: PubMed 10678181 (cited by Women's Health and Genetics/Laboratory Corporation of America, LabCorp); PubMed 23460398 (cited by Women's Health and Genetics/Laboratory Corporation of America, LabCorp); PubMed 27069254 (cited by Women's Health and Genetics/Laboratory Corporation of America, LabCorp).

NM_001042492.3(NF1):c.1845+13A>T

Gene: NF1 (neurofibromin 1; plus strand). Cytogenetic location: 17q11.2.
Variant type: single nucleotide variant.
Coding change: c.1845+13A>T on transcript NM_001042492.3 (MANE Select); 13 bases into the intron after coding-DNA position 1845, A replaced by T.
Molecular consequence: intron variant.
Genome position (GRCh38, 1-based): chr17:31,223,580, A>T. VCF-style: chr17-31223580-A-T. GRCh37 (hg19) VCF-style: chr17-29550598-A-T.
Other names: c.1845+13A>T (NM_000267.4).
Identifiers: ClinVar variation 226850 (VCV000226850.30), dbSNP rs17885739, ClinGen allele CA8485854.